The following is an entry in ClinVar:

NM_000038.6(APC):c.615T>A (p.Gly205=)

Gene: APC (APC regulator of Wnt signaling pathway; plus strand). Cytogenetic location: 5q22.2.
Variant type: single nucleotide variant.
Coding change: c.615T>A on transcript NM_000038.6 (MANE Select); coding-DNA position 615, T replaced by A.
Protein change: p.Gly205=; no amino-acid change (glycine 205 retained).
Molecular consequence: synonymous variant. On other transcripts: 5 prime UTR variant (4), non-coding transcript variant (2).
Genome position (GRCh38, 1-based): chr5:112,780,873, T>A. VCF-style: chr5-112780873-T-A. GRCh37 (hg19) VCF-style: chr5-112116570-T-A.
Other names: c.615T>A, p.Gly205= (NM_001407449.1, NM_001407450.1, NM_001407452.1 and 16 more transcripts); c.540T>A, p.Gly180= (NM_001407451.1, NM_001354898.2, NM_001354904.2); c.438T>A, p.Gly146= (NM_001407453.1, NM_001354900.2, NM_001354901.2 and 1 more transcripts); c.645T>A, p.Gly215= (NM_001127511.3, NM_001354897.2, NM_001354902.2 and 1 more transcripts); c.-421T>A (NM_001354906.2, NM_001407470.1, NM_001407471.1 and 1 more transcripts); c.615T>A (NM_000038.5).
Identifiers: ClinVar variation 3148798 (VCV003148798.2), dbSNP rs2149640670, ClinGen allele CA445755516.

ClinVar aggregate classification (germline): Benign/Likely benign. Review status: criteria provided, multiple submitters, no conflicts (2 of 4 stars). 2 submissions from 2 submitters: Benign (1); Likely benign (1). Last evaluated 2025-04-25.

Conditions:
Familial adenomatous polyposis 1 (FAP1). Also called: POLYPOSIS, ADENOMATOUS INTESTINAL; FAMILIAL ADENOMATOUS POLYPOSIS 1, ATTENUATED. Identifiers: MedGen C2713442, MONDO:0021056, OMIM 175100. Disease mechanism: loss of function.
Hereditary cancer-predisposing syndrome. Also called: Neoplastic Syndromes, Hereditary; Tumor predisposition; Hereditary neoplastic syndrome; Hereditary Cancer Syndrome. Identifiers: Orphanet 140162, MedGen C0027672, MeSH D009386, MONDO:0015356.

Submissions (2):

Ambry Genetics
Classification: Likely benign for Hereditary cancer-predisposing syndrome. Last evaluated: 2025-04-25. Review status: criteria provided, single submitter. Criteria: Ambry Variant Classification Scheme 2023. Collection method: clinical testing. Allele origin: germline.

Myriad Genetics, Inc.
Classification: Benign for Familial adenomatous polyposis 1. Last evaluated: 2024-02-26. Review status: criteria provided, single submitter. Criteria: Myriad Autosomal Dominant, Autosomal Recessive and X-Linked Classification Criteria (2023). Collection method: clinical testing. Allele origin: unknown.
Comment: This variant is considered benign. This variant is a silent/synonymous amino acid change and it is not expected to impact splicing.